The following is an entry in ClinVar:

NM_002907.4(RECQL):c.1859C>T (p.Ser620Leu)

Genes: PYROXD1 (pyridine nucleotide-disulphide oxidoreductase domain 1; plus strand), RECQL (RecQ like helicase; minus strand). Cytogenetic location: 12p12.1.
Variant type: single nucleotide variant.
Coding change: c.1859C>T on transcript NM_002907.4 (MANE Select); coding-DNA position 1859, C replaced by T.
Protein change: p.Ser620Leu; replaces serine 620 with leucine.
Molecular consequence: missense variant. On other transcripts: 3 prime UTR variant (3).
Genome position (GRCh38, 1-based): chr12:21,470,285, G>A on the plus strand (C>T on the coding strand, the complement: RECQL is on the minus strand). VCF-style: chr12-21470285-G-A. GRCh37 (hg19) VCF-style: chr12-21623219-G-A.
Other names: c.1859C>T, p.Ser620Leu (NM_032941.3); c.*1531G>A (NM_001350912.2, NM_001350913.2, NM_024854.5); short protein forms S620L.
Identifiers: ClinVar variation 5028065 (VCV005028065.1).

ClinVar aggregate classification (germline): Uncertain significance (1 of 4 stars; one submission).

Submission:

Ambry Genetics
Classification: Uncertain significance. Last evaluated: 2026-09-08. Review status: criteria provided, single submitter. Criteria: Ambry Variant Classification Scheme 2023. Collection method: clinical testing. Allele origin: germline.
Comment: The p.S620L variant (also known as c.1859C>T), located in coding exon 14 of the RECQL gene, results from a C to T substitution at nucleotide position 1859. The serine at codon 620 is replaced by leucine, an amino acid with dissimilar properties. This amino acid position is conserved. In addition, this alteration is predicted to be tolerated by in silico analysis. Based on the available evidence, the clinical significance of this variant remains unclear.